The following is an entry in ClinVar:

NM_002796.3(PSMB4):c.722G>A (p.Gly241Asp)

Gene: PSMB4 (proteasome 20S subunit beta 4; plus strand). Cytogenetic location: 1q21.3.
Variant type: single nucleotide variant.
Coding change: c.722G>A on transcript NM_002796.3 (MANE Select); coding-DNA position 722, G replaced by A.
Protein change: p.Gly241Asp; replaces glycine 241 with aspartic acid.
Molecular consequence: missense variant.
Genome position (GRCh38, 1-based): chr1:151,401,570, G>A. VCF-style: chr1-151401570-G-A. GRCh37 (hg19) VCF-style: chr1-151374046-G-A.
Other names: short protein forms G241D.
Identifiers: ClinVar variation 1481931 (VCV001481931.6), dbSNP rs764773921, ClinGen allele CA341927589.

ClinVar aggregate classification (germline): Uncertain significance (1 of 4 stars; one submission).

Submission:

Labcorp Genetics (formerly Invitae), Labcorp
Classification: Uncertain significance. Last evaluated: 2021-08-09. Review status: criteria provided, single submitter. Criteria: Invitae Variant Classification Sherloc (09022015). Collection method: clinical testing. Allele origin: germline.
Comment: This sequence change replaces glycine with aspartic acid at codon 241 of the PSMB4 protein (p.Gly241Asp). The glycine residue is highly conserved and there is a moderate physicochemical difference between glycine and aspartic acid. In summary, the available evidence is currently insufficient to determine the role of this variant in disease. Therefore, it has been classified as a Variant of Uncertain Significance. Algorithms developed to predict the effect of missense changes on protein structure and function are either unavailable or do not agree on the potential impact of this missense change (SIFT: "Deleterious"; PolyPhen-2: "Possibly Damaging"; Align-GVGD: "Class C0"). This variant has not been reported in the literature in individuals affected with PSMB4-related conditions. This variant is not present in population databases (ExAC no frequency).